The following is an entry in ClinVar:

NM_001253697.2(ERBIN):c.604G>A (p.Val202Ile)

Gene: ERBIN (erbb2 interacting protein; plus strand). Cytogenetic location: 5q12.3.
Variant type: single nucleotide variant.
Coding change: c.604G>A on transcript NM_001253697.2 (MANE Select); coding-DNA position 604, G replaced by A.
Protein change: p.Val202Ile; replaces valine 202 with isoleucine.
Molecular consequence: missense variant.
Genome position (GRCh38, 1-based): chr5:66,023,296, G>A. VCF-style: chr5-66023296-G-A. GRCh37 (hg19) VCF-style: chr5-65319124-G-A.
Other names: c.604G>A, p.Val202Ile (NM_001006600.3, NM_001253698.2, NM_001253699.2 and 2 more transcripts); short protein forms V202I.
Identifiers: ClinVar variation 2013455 (VCV002013455.4), dbSNP rs2546709390, ClinGen allele CA359974484.

ClinVar aggregate classification (germline): Uncertain significance (1 of 4 stars; one submission).

Allele frequency attached by ClinVar (database versions not stated): gnomAD exomes below 0.00001.

Submission:

Labcorp Genetics (formerly Invitae), Labcorp
Classification: Uncertain significance. Last evaluated: 2022-07-03. Review status: criteria provided, single submitter. Criteria: Invitae Variant Classification Sherloc (09022015). Collection method: clinical testing. Allele origin: germline.
Comment: In summary, the available evidence is currently insufficient to determine the role of this variant in disease. Therefore, it has been classified as a Variant of Uncertain Significance. Algorithms developed to predict the effect of missense changes on protein structure and function are either unavailable or do not agree on the potential impact of this missense change (SIFT: "Deleterious"; PolyPhen-2: "Probably Damaging"; Align-GVGD: "Class C0"). This variant has not been reported in the literature in individuals affected with ERBIN-related conditions. This variant is not present in population databases (gnomAD no frequency). This sequence change replaces valine, which is neutral and non-polar, with isoleucine, which is neutral and non-polar, at codon 202 of the ERBIN protein (p.Val202Ile).